The following is an entry in ClinVar:

ClinVar aggregate classification (germline): Likely benign. Review status: criteria provided, multiple submitters, no conflicts (2 of 4 stars). 2 submissions from 2 submitters: Likely benign (2). Last evaluated 2025-05-09.

gnomAD v4.1: 27 of 1,613,152 alleles (0.0017%); highest among the groups gnomAD compares: African/African-American, 0.019%; no homozygotes.

Submissions (2):

Athena Diagnostics
Classification: Likely benign. Last evaluated: 2025-05-09. Review status: criteria provided, single submitter. Criteria: Athena Diagnostics Criteria. Collection method: clinical testing. Allele origin: unknown.
Comment: Computational tools yielded predictions that this variant is unlikely to have an effect on normal RNA splicing. This nucleotide position exhibits low evolutionary conservation.

Labcorp Genetics (formerly Invitae), Labcorp
Classification: Likely benign. Last evaluated: 2024-11-04. Review status: criteria provided, single submitter. Criteria: Invitae Variant Classification Sherloc (09022015). Collection method: clinical testing. Allele origin: germline.

NM_005529.7(HSPG2):c.2871C>T (p.Asn957=)

Gene: HSPG2 (heparan sulfate proteoglycan 2; minus strand). Cytogenetic location: 1p36.12.
Variant type: single nucleotide variant.
Coding change: c.2871C>T on transcript NM_005529.7 (MANE Select); coding-DNA position 2871, C replaced by T.
Protein change: p.Asn957=; no amino-acid change (asparagine 957 retained).
Molecular consequence: synonymous variant.
Genome position (GRCh38, 1-based): chr1:21,876,361, G>A on the plus strand (C>T on the coding strand, the complement: HSPG2 is on the minus strand). VCF-style: chr1-21876361-G-A. GRCh37 (hg19) VCF-style: chr1-22202854-G-A.
Other names: c.2871C>T (NM_005529.6); c.2874C>T, p.Asn958= (NM_001291860.2).
Identifiers: ClinVar variation 3714925 (VCV003714925.3).